The following is an entry in ClinVar:

NM_000490.5(AVP):c.475G>A (p.Ala159Thr)

Gene: AVP (arginine vasopressin; minus strand). Cytogenetic location: 20p13.
Variant type: single nucleotide variant.
Coding change: c.475G>A on transcript NM_000490.5 (MANE Select); coding-DNA position 475, G replaced by A.
Protein change: p.Ala159Thr; replaces alanine 159 with threonine.
Molecular consequence: missense variant.
Genome position (GRCh38, 1-based): chr20:3,082,650, C>T on the plus strand (G>A on the coding strand, the complement: AVP is on the minus strand). VCF-style: chr20-3082650-C-T. GRCh37 (hg19) VCF-style: chr20-3063296-C-T.
Other names: short protein forms A159T.
Identifiers: ClinVar variation 2053044 (VCV002053044.28), dbSNP rs760345436, ClinGen allele CA9739416.
Genomic context (GRCh38, chr20:3,082,650, plus strand): 5'-GGCGGGCGCGAAGAGCGCGCCGGTGGGGCGAGCGCGGGGCTCAGTAGGCGTCGGGCTGGG[C>T]GGGCTCGAAGGGCTCGGGCGCCCCGGCCAGCTGCACCAGCCGCAGCAGCAAGGCCCCGGC-3'
Protein context (NP_000481.2, residues 149-164): LAGAPEPFEP[Ala159Thr]QPDAY

ClinVar aggregate classification (germline): Conflicting classifications of pathogenicity. Review status: criteria provided, conflicting classifications (1 of 4 stars). 3 submissions from 3 submitters: Uncertain significance (1); Likely benign (2). Last evaluated 2025-12-19.

Conditions:
Inborn genetic diseases. Identifiers: MedGen C0950123, MeSH D030342.

Allele frequency attached by ClinVar (database versions not stated): TOPMed 0.00074; gnomAD 0.00080; gnomAD exomes 0.00131.

Submissions (3):

Labcorp Genetics (formerly Invitae), Labcorp
Classification: Uncertain significance. Last evaluated: 2025-12-19. Review status: criteria provided, single submitter. Criteria: Invitae Variant Classification Sherloc (09022015). Collection method: clinical testing. Allele origin: germline.
Comment: This sequence change replaces alanine, which is neutral and non-polar, with threonine, which is neutral and polar, at codon 159 of the AVP protein (p.Ala159Thr). The frequency data for this variant in the population databases is considered unreliable, as metrics indicate poor data quality at this position in the gnomAD database. This variant has not been reported in the literature in individuals affected with AVP-related conditions. ClinVar contains an entry for this variant (Variation ID: 2053044). An algorithm developed to predict the effect of missense changes on protein structure and function (PolyPhen-2) suggests that this variant is likely to be tolerated. Experimental studies have shown that this missense change does not substantially affect AVP function (PMID: 19129716). In summary, the available evidence is currently insufficient to determine the role of this variant in disease. Therefore, it has been classified as a Variant of Uncertain Significance.

CeGaT Center for Human Genetics Tuebingen
Classification: Likely benign. Last evaluated: 2022-11-01. Review status: criteria provided, single submitter. Criteria: CeGaT Center For Human Genetics Tuebingen Variant Classification Criteria Version 2. Collection method: clinical testing. Allele origin: germline. Affected: yes. Observed: 1 variant allele.
Comment: AVP: BS1

Ambry Genetics
Classification: Likely benign for Inborn genetic diseases. Last evaluated: 2021-08-18. Review status: criteria provided, single submitter. Criteria: Ambry Variant Classification Scheme 2023. Collection method: clinical testing. Allele origin: germline.

Literature cited by the submitters: PubMed 19129716 (cited by Labcorp Genetics (formerly Invitae), Labcorp).